The following is an entry in ClinVar:

ClinVar aggregate classification (germline): Uncertain significance (1 of 4 stars; one submission).

Conditions:
Leukocyte adhesion deficiency type II. Also called: CONGENITAL DISORDER OF GLYCOSYLATION, TYPE IIc; CDG IIc; Congenital disorder of glycosylation type 2C; CDG 2C; Leukocyte adhesion deficiency type 2; Rambam Hasharon syndrome. Identifiers: Orphanet 2968, Orphanet 99843, MedGen C0398739, MONDO:0009953, OMIM 266265.

Submission:

Labcorp Genetics (formerly Invitae), Labcorp
Classification: Uncertain significance for Leukocyte adhesion deficiency type II. Last evaluated: 2019-06-13. Review status: criteria provided, single submitter. Criteria: Invitae Variant Classification Sherloc (09022015). Collection method: clinical testing. Allele origin: germline.
Comment: This sequence change replaces leucine with proline at codon 161 of the SLC35C1 protein (p.Leu161Pro). The leucine residue is moderately conserved and there is a moderate physicochemical difference between leucine and proline. This variant is present in population databases (rs778718913, ExAC 0.006%). This variant has not been reported in the literature in individuals with SLC35C1-related conditions. Algorithms developed to predict the effect of missense changes on protein structure and function are either unavailable or do not agree on the potential impact of this missense change (SIFT: "Deleterious"; PolyPhen-2: "Possibly Damaging"; Align-GVGD: "Class C15"). In summary, the available evidence is currently insufficient to determine the role of this variant in disease. Therefore, it has been classified as a Variant of Uncertain Significance.

NM_018389.5(SLC35C1):c.482T>C (p.Leu161Pro)

Gene: SLC35C1 (solute carrier family 35 member C1; plus strand). Cytogenetic location: 11p11.2.
Variant type: single nucleotide variant.
Coding change: c.482T>C on transcript NM_018389.5 (MANE Select); coding-DNA position 482, T replaced by C.
Protein change: p.Leu161Pro; replaces leucine 161 with proline.
Molecular consequence: missense variant.
Genome position (GRCh38, 1-based): chr11:45,806,283, T>C. VCF-style: chr11-45806283-T-C. GRCh37 (hg19) VCF-style: chr11-45827834-T-C.
Other names: c.443T>C, p.Leu148Pro (NM_001145266.2, NM_001145265.2); short protein forms L148P, L161P.
Identifiers: ClinVar variation 945487 (VCV000945487.1), dbSNP rs778718913, ClinGen allele CA5958249.